The following is an entry in ClinVar:

NM_000428.3(LTBP2):c.1504dup (p.Leu502fs)

Gene: LTBP2 (latent transforming growth factor beta binding protein 2; minus strand). Cytogenetic location: 14q24.3.
Variant type: Duplication.
Coding change: c.1504dup on transcript NM_000428.3 (MANE Select); coding-DNA position 1504, one base duplicated (C; older notation c.1504dupC).
Protein change: p.Leu502fs; shifts the reading frame from leucine 502.
Molecular consequence: frameshift variant.
Genome position (GRCh38, 1-based): chr14:74,551,246, G duplicated on the plus strand (C on the coding strand, the reverse complement: LTBP2 is on the minus strand); the first of 3 consecutive G bases (chr14:74,551,246-74,551,248); duplicating any one gives the same sequence. VCF-style (leftmost placement, unchanged base first): chr14-74551245-A-AG. GRCh37 (hg19) VCF-style: chr14-75017948-A-AG.
Other names: short protein forms L502fs.
Identifiers: ClinVar variation 4780053 (VCV004780053.1).

ClinVar aggregate classification (germline): Pathogenic (1 of 4 stars; one submission).

Submission:

Labcorp Genetics (formerly Invitae), Labcorp
Classification: Pathogenic. Last evaluated: 2025-12-11. Review status: criteria provided, single submitter. Criteria: Invitae Variant Classification Sherloc (09022015). Collection method: clinical testing. Allele origin: germline.
Comment: This sequence change creates a premature translational stop signal (p.Leu502Profs*101) in the LTBP2 gene. It is expected to result in an absent or disrupted protein product. Loss-of-function variants in LTBP2 are known to be pathogenic (PMID: 19361779, 19656777, 22025892). This variant is not present in population databases (gnomAD no frequency). This variant has not been reported in the literature in individuals affected with LTBP2-related conditions. For these reasons, this variant has been classified as Pathogenic.

Literature cited by the submitters: PubMed 19361779; PubMed 19656777; PubMed 22025892.